The following is an entry in ClinVar:

NM_005445.4(SMC3):c.2656T>G (p.Ser886Ala)

Gene: SMC3 (structural maintenance of chromosomes 3; plus strand). Cytogenetic location: 10q25.2.
Variant type: single nucleotide variant.
Coding change: c.2656T>G on transcript NM_005445.4 (MANE Select); coding-DNA position 2656, T replaced by G.
Protein change: p.Ser886Ala; replaces serine 886 with alanine.
Molecular consequence: missense variant.
Genome position (GRCh38, 1-based): chr10:110,601,648, T>G. VCF-style: chr10-110601648-T-G. GRCh37 (hg19) VCF-style: chr10-112361406-T-G.
Other names: short protein forms S886A.
Identifiers: ClinVar variation 878458 (VCV000878458.4), dbSNP rs775665831, ClinGen allele CA5688273.

ClinVar aggregate classification (germline): Likely benign (1 of 4 stars; one submission).

Conditions:
Cornelia de Lange syndrome 3 (CDLS3). Also called: SMC3-Related Cornelia de Lange Syndrome; CORNELIA DE LANGE SYNDROME 3 WITH OR WITHOUT MIDLINE BRAIN DEFECTS. Identifiers: Orphanet 199, MedGen C1853099, MONDO:0012555, OMIM 610759.

Allele frequency attached by ClinVar (database versions not stated): gnomAD 0.00001; gnomAD exomes 0.00001 and 0.00002; ExAC 0.00002.
gnomAD v4.1: 20 of 1,611,840 alleles (0.0012%); highest among the groups gnomAD compares: East Asian, 0.045%; no homozygotes.

Submission:

Illumina Laboratory Services, Illumina
Classification: Likely benign for Cornelia de Lange syndrome 3. Last evaluated: 2018-01-12. Review status: criteria provided, single submitter. Criteria: ICSL Variant Classification Criteria 13 December 2019. Collection method: clinical testing. Allele origin: germline.
Comment: This variant was observed in the ICSL laboratory as part of a predisposition screen in an ostensibly healthy population. It had not been previously curated by ICSL or reported in the Human Gene Mutation Database (HGMD: prior to June 1st, 2018), and was therefore a candidate for classification through an automated scoring system. Utilizing variant allele frequency, disease prevalence and penetrance estimates, and inheritance mode, an automated score was calculated to assess if this variant is too frequent to cause the disease. Based on the score and internal cut-off values, a variant classified as likely benign is not then subjected to further curation. The score for this variant resulted in a classification of likely benign for this disease.